The following is an entry in ClinVar:

ClinVar aggregate classification (germline): Uncertain significance (1 of 4 stars; one submission).

Conditions:
Primary ciliary dyskinesia. Also called: Ciliary dyskinesia. Identifiers: Orphanet 244, MedGen C0008780, MONDO:0016575, HP:0012265.

Allele frequency attached by ClinVar (database versions not stated): gnomAD exomes below 0.00001.
gnomAD v4.1: 1 of 1,612,692 alleles (0.000062%); highest among the groups gnomAD compares: East Asian, 0.0022%; no homozygotes.

Submission:

Labcorp Genetics (formerly Invitae), Labcorp
Classification: Uncertain significance for Primary ciliary dyskinesia. Last evaluated: 2019-05-07. Review status: criteria provided, single submitter. Criteria: Invitae Variant Classification Sherloc (09022015). Collection method: clinical testing. Allele origin: germline.
Comment: This sequence change replaces asparagine with serine at codon 4295 of the DNAH8 protein (p.Asn4295Ser). The asparagine residue is highly conserved and there is a small physicochemical difference between asparagine and serine. This variant is not present in population databases (ExAC no frequency). This variant has not been reported in the literature in individuals with DNAH8-related disease. Algorithms developed to predict the effect of missense changes on protein structure and function are either unavailable or do not agree on the potential impact of this missense change (SIFT: "Deleterious"; PolyPhen-2: "Unavailable"; Align-GVGD: "Class C0"). Algorithms developed to predict the effect of sequence changes on RNA splicing suggest that this variant may create or strengthen a splice site, but this prediction has not been confirmed by published transcriptional studies. In summary, the available evidence is currently insufficient to determine the role of this variant in disease. Therefore, it has been classified as a Variant of Uncertain Significance.

NM_001206927.2(DNAH8):c.12884A>G (p.Asn4295Ser)

Gene: DNAH8 (dynein axonemal heavy chain 8; plus strand). Cytogenetic location: 6p21.2.
Variant type: single nucleotide variant.
Coding change: c.12884A>G on transcript NM_001206927.2 (MANE Select); coding-DNA position 12884, A replaced by G.
Protein change: p.Asn4295Ser; replaces asparagine 4295 with serine.
Molecular consequence: missense variant.
Genome position (GRCh38, 1-based): chr6:38,982,395, A>G. VCF-style: chr6-38982395-A-G. GRCh37 (hg19) VCF-style: chr6-38950171-A-G.
Other names: c.12233A>G, p.Asn4078Ser (NM_001371.4); short protein forms N4078S, N4295S.
Identifiers: ClinVar variation 644545 (VCV000644545.11), dbSNP rs1583501877, ClinGen allele CA364007973.